The following is an entry in ClinVar:

ClinVar aggregate classification (germline): Uncertain significance (1 of 4 stars; one submission).

Conditions:
Glycogen storage disease IXa1. Also called: GLYCOGEN STORAGE DISEASE VIII; GSD VIII; Glycogen storage disease 8; LIVER GLYCOGENOSIS, X-LINKED, TYPE I. Identifiers: Orphanet 264580, MedGen C3694531, MONDO:0010598, OMIM 306000.

Submission:

Labcorp Genetics (formerly Invitae), Labcorp
Classification: Uncertain significance for Glycogen storage disease IXa1. Last evaluated: 2023-08-04. Review status: criteria provided, single submitter. Criteria: Invitae Variant Classification Sherloc (09022015). Collection method: clinical testing. Allele origin: germline.
Comment: Advanced modeling of protein sequence and biophysical properties (such as structural, functional, and spatial information, amino acid conservation, physicochemical variation, residue mobility, and thermodynamic stability) performed at Invitae indicates that this missense variant is expected to disrupt PHKA2 protein function. This variant has not been reported in the literature in individuals affected with PHKA2-related conditions. ClinVar contains an entry for this variant (Variation ID: 1489503). In summary, the available evidence is currently insufficient to determine the role of this variant in disease. Therefore, it has been classified as a Variant of Uncertain Significance. This sequence change replaces proline, which is neutral and non-polar, with arginine, which is basic and polar, at codon 247 of the PHKA2 protein (p.Pro247Arg). This variant is not present in population databases (gnomAD no frequency).

NM_000292.3(PHKA2):c.740C>G (p.Pro247Arg)

Gene: PHKA2 (phosphorylase kinase regulatory subunit alpha 2; minus strand). Cytogenetic location: Xp22.13.
Variant type: single nucleotide variant.
Coding change: c.740C>G on transcript NM_000292.3 (MANE Select); coding-DNA position 740, C replaced by G.
Protein change: p.Pro247Arg; replaces proline 247 with arginine.
Molecular consequence: missense variant.
Genome position (GRCh38, 1-based): chrX:18,941,653, G>C on the plus strand (C>G on the coding strand, the complement: PHKA2 is on the minus strand). VCF-style: chrX-18941653-G-C. GRCh37 (hg19) VCF-style: chrX-18959771-G-C.
Other names: short protein forms P247R.
Identifiers: ClinVar variation 1489503 (VCV001489503.6), dbSNP rs2147963178, ClinGen allele CA412398235.